The following is an entry in ClinVar:

NM_001031689.3(PLAA):c.715G>A (p.Val239Ile)

Gene: PLAA (phospholipase A2 activating protein; minus strand). Cytogenetic location: 9p21.2.
Variant type: single nucleotide variant.
Coding change: c.715G>A on transcript NM_001031689.3 (MANE Select); coding-DNA position 715, G replaced by A.
Protein change: p.Val239Ile; replaces valine 239 with isoleucine.
Molecular consequence: missense variant.
Genome position (GRCh38, 1-based): chr9:26,926,411, C>T on the plus strand (G>A on the coding strand, the complement: PLAA is on the minus strand). VCF-style: chr9-26926411-C-T. GRCh37 (hg19) VCF-style: chr9-26926409-C-T.
Other names: c.715G>A, p.Val239Ile (NM_001321546.2); short protein forms V239I.
Identifiers: ClinVar variation 1435619 (VCV001435619.3), dbSNP rs769296984, ClinGen allele CA5014575.

ClinVar aggregate classification (germline): Uncertain significance (1 of 4 stars; one submission).

Allele frequency attached by ClinVar (database versions not stated): gnomAD exomes 0.00002 and 0.00003; ExAC 0.00003; gnomAD 0.00004 and 0.00005; TOPMed 0.00005.
gnomAD v4.1: 43 of 1,604,600 alleles (0.0027%); highest among the groups gnomAD compares: East Asian, 0.013%; no homozygotes.

Submission:

Labcorp Genetics (formerly Invitae), Labcorp
Classification: Uncertain significance. Last evaluated: 2022-09-07. Review status: criteria provided, single submitter. Criteria: Invitae Variant Classification Sherloc (09022015). Collection method: clinical testing. Allele origin: germline.
Comment: This sequence change replaces valine, which is neutral and non-polar, with isoleucine, which is neutral and non-polar, at codon 239 of the PLAA protein (p.Val239Ile). This variant is present in population databases (rs769296984, gnomAD 0.006%). This variant has not been reported in the literature in individuals affected with PLAA-related conditions. ClinVar contains an entry for this variant (Variation ID: 1435619). Algorithms developed to predict the effect of missense changes on protein structure and function output the following: SIFT: "Tolerated"; PolyPhen-2: "Benign"; Align-GVGD: "Class C0". The isoleucine amino acid residue is found in multiple mammalian species, which suggests that this missense change does not adversely affect protein function. In summary, the available evidence is currently insufficient to determine the role of this variant in disease. Therefore, it has been classified as a Variant of Uncertain Significance.